The following is an entry in ClinVar:

NM_002382.5(MAX):c.402C>T (p.Phe134=)

Gene: MAX (MYC associated transcriptional regulator X; minus strand). Cytogenetic location: 14q23.3.
Variant type: single nucleotide variant.
Coding change: c.402C>T on transcript NM_002382.5 (MANE Select); coding-DNA position 402, C replaced by T.
Protein change: p.Phe134=; no amino-acid change (phenylalanine 134 retained).
Molecular consequence: synonymous variant. On other transcripts: 3 prime UTR variant (12), non-coding transcript variant (7), intron variant (2).
Genome position (GRCh38, 1-based): chr14:65,076,557, G>A on the plus strand (C>T on the coding strand, the complement: MAX is on the minus strand). VCF-style: chr14-65076557-G-A. GRCh37 (hg19) VCF-style: chr14-65543275-G-A.
Other names: c.213C>T, p.Phe71= (NM_001320415.2, NM_001407105.1, NM_001407106.1 and 1 more transcripts); c.402C>T, p.Phe134= (NM_001407094.1); c.375C>T, p.Phe125= (NM_001407095.1, NM_145112.3); c.*175C>T (NM_001407096.1, NM_001407099.1, NM_001407102.1 and 2 more transcripts); c.*191C>T (NM_001407097.1, NM_001407100.1, NM_001407101.1 and 4 more transcripts); c.294C>T, p.Phe98= (NM_001407098.1); c.201C>T, p.Phe67= (NM_001407111.1, NM_001407112.1); c.144+17151C>T (NM_001271069.2); and 1 more.
Identifiers: ClinVar variation 532531 (VCV000532531.17), dbSNP rs765370870, ClinGen allele CA7232797.

ClinVar aggregate classification (germline): Conflicting classifications of pathogenicity. Review status: criteria provided, conflicting classifications (1 of 4 stars). 4 submissions from 4 submitters: Uncertain significance (1); Benign (1); Likely benign (2). Last evaluated 2026-06-08.

Conditions:
Hereditary cancer-predisposing syndrome. Also called: Neoplastic Syndromes, Hereditary; Hereditary Cancer Syndrome; Hereditary neoplastic syndrome; Tumor predisposition. Identifiers: Orphanet 140162, MedGen C0027672, MeSH D009386, MONDO:0015356.
Hereditary pheochromocytoma and paraganglioma. Also called: Hereditary Paraganglioma-Pheochromocytoma Syndromes; Hereditary paragangliomas and pheochromocytomas; Hereditary pheochromocytoma-paraganglioma. Identifiers: Orphanet 29072, MedGen C4274332, MONDO:0017366.
Pheochromocytoma. Also called: MAX-Related Hereditary Paraganglioma-Pheochromocytoma Syndrome. Identifiers: Orphanet 29072, MedGen C0031511, MONDO:0008233, OMIM 171300, HP:0002666.

Allele frequency attached by ClinVar (database versions not stated): gnomAD exomes 0.00001 and 0.00002; ExAC 0.00002.
gnomAD v4.1: 19 of 1,614,068 alleles (0.0012%); highest among the groups gnomAD compares: East Asian, 0.011%; no homozygotes.

Submissions (4):

Myriad Genetics, Inc.
Classification: Benign for Pheochromocytoma. Last evaluated: 2026-06-08. Review status: criteria provided, single submitter. Criteria: Myriad Autosomal Dominant, Autosomal Recessive and X-Linked Classification Criteria (2023). Collection method: clinical testing. Allele origin: unknown.
Comment: This variant is considered benign. This variant is a silent/synonymous amino acid change and it is not expected to impact splicing.

Labcorp Genetics (formerly Invitae), Labcorp
Classification: Likely benign for Hereditary pheochromocytoma and paraganglioma. Last evaluated: 2026-01-24. Review status: criteria provided, single submitter. Criteria: Invitae Variant Classification Sherloc (09022015). Collection method: clinical testing. Allele origin: germline.

Quest Diagnostics Nichols Institute San Juan Capistrano
Classification: Uncertain significance. Last evaluated: 2023-11-07. Review status: criteria provided, single submitter. Criteria: Quest Diagnostics criteria. Collection method: clinical testing. Allele origin: unknown.
Comment: The MAX c.402C>T (p.Phe134=) synonymous variant has not been reported in individuals with MAX-related conditions in the published literature. The frequency of this variant in the general population, 0.00002 (5/251488 chromosomes (Genome Aggregation Database)), is uninformative in the assessment of its pathogenicity. Analysis of this variant using software algorithms for the prediction of the effect of nucleotide changes on splicing yielded predictions that this variant does not affect MAX mRNA splicing. Based on the available information, we are unable to determine the clinical significance of this variant.

Ambry Genetics
Classification: Likely benign for Hereditary cancer-predisposing syndrome. Last evaluated: 2018-02-02. Review status: criteria provided, single submitter. Criteria: Ambry Variant Classification Scheme 2023. Collection method: clinical testing. Allele origin: germline.